The following is an entry in ClinVar:

ClinVar aggregate classification (germline): Benign/Likely benign. Review status: criteria provided, multiple submitters, no conflicts (2 of 4 stars). 3 submissions from 3 submitters: Benign (1); Likely benign (2). Last evaluated 2025-02-28.

Conditions:
Mitochondrial complex II deficiency, nuclear type 1. Also called: SUCCINATE CoQ REDUCTASE DEFICIENCY. Identifiers: Orphanet 3208, MedGen C5700310, MONDO:0100294, OMIM 252011.
Pheochromocytoma/paraganglioma syndrome 5. Also called: SDHA-Related Hereditary Paraganglioma-Pheochromocytoma Syndrome; Paragangliomas 5. Identifiers: Orphanet 29072, MedGen C3279992, MONDO:0013602, OMIM 614165.
Hereditary cancer-predisposing syndrome. Also called: Neoplastic Syndromes, Hereditary; Hereditary Cancer Syndrome; Tumor predisposition; Hereditary neoplastic syndrome. Identifiers: Orphanet 140162, MedGen C0027672, MeSH D009386, MONDO:0015356.

Submissions (3):

Myriad Genetics, Inc.
Classification: Benign for Pheochromocytoma/paraganglioma syndrome 5. Last evaluated: 2025-02-28. Review status: criteria provided, single submitter. Criteria: Myriad Autosomal Dominant, Autosomal Recessive and X-Linked Classification Criteria (2023). Collection method: clinical testing. Allele origin: unknown.
Comment: This variant is considered benign. This variant is a silent/synonymous amino acid change and it is not expected to impact splicing.

Labcorp Genetics (formerly Invitae), Labcorp
Classification: Likely benign for Pheochromocytoma/paraganglioma syndrome 5; Mitochondrial complex II deficiency, nuclear type 1. Last evaluated: 2024-09-14. Review status: criteria provided, single submitter. Criteria: Invitae Variant Classification Sherloc (09022015). Collection method: clinical testing. Allele origin: germline.

Ambry Genetics
Classification: Likely benign for Hereditary cancer-predisposing syndrome. Last evaluated: 2019-08-13. Review status: criteria provided, single submitter. Criteria: Ambry Variant Classification Scheme 2023. Collection method: clinical testing. Allele origin: germline.

NM_004168.4(SDHA):c.45C>T (p.Arg15=)

Gene: SDHA (succinate dehydrogenase complex flavoprotein subunit A; plus strand). Cytogenetic location: 5p15.33.
Variant type: single nucleotide variant.
Coding change: c.45C>T on transcript NM_004168.4 (MANE Select); coding-DNA position 45, C replaced by T.
Protein change: p.Arg15=; no amino-acid change (arginine 15 retained).
Molecular consequence: synonymous variant.
Genome position (GRCh38, 1-based): chr5:218,400, C>T. VCF-style: chr5-218400-C-T. GRCh37 (hg19) VCF-style: chr5-218515-C-T.
Other names: c.45C>T, p.Arg15= (NM_001294332.2, NM_001330758.2).
Identifiers: ClinVar variation 417235 (VCV000417235.14), dbSNP rs1060505002, ClinGen allele CA16612038.